The following is an entry in ClinVar:

NM_001001557.4(GDF6):c.*1090G>C

Gene: GDF6 (growth differentiation factor 6; minus strand). Cytogenetic location: 8q22.1.
Variant type: single nucleotide variant.
Coding change: c.*1090G>C on transcript NM_001001557.4 (MANE Select); 1090 bases downstream of the stop codon, G replaced by C.
Molecular consequence: 3 prime UTR variant.
Genome position (GRCh38, 1-based): chr8:96,143,473, C>G on the plus strand (G>C on the coding strand, the complement: GDF6 is on the minus strand). VCF-style: chr8-96143473-C-G. GRCh37 (hg19) VCF-style: chr8-97155701-C-G.
Identifiers: ClinVar variation 364013 (VCV000364013.6), dbSNP rs80085212, ClinGen allele CA10628451.

ClinVar aggregate classification (germline): Benign. Review status: criteria provided, multiple submitters, no conflicts (2 of 4 stars). 2 submissions from 2 submitters: Benign (2). Last evaluated 2018-01-13.

Conditions:
Klippel-Feil syndrome 1, autosomal dominant (KFS1). Also called: CERVICAL VERTEBRAL FUSION, AUTOSOMAL DOMINANT. Identifiers: Orphanet 2345, MedGen C1861689, MONDO:0007306, OMIM 118100.

Allele frequency attached by ClinVar (database versions not stated): gnomAD exomes 0.00775; gnomAD 0.02491 and 0.02577; TOPMed 0.02679; 1000 Genomes Project 0.03155; 1000 Genomes Project 30x 0.03295.

Submissions (2):

Illumina Laboratory Services, Illumina
Classification: Benign for Klippel-Feil syndrome 1, autosomal dominant. Last evaluated: 2018-01-13. Review status: criteria provided, single submitter. Criteria: ICSL Variant Classification Criteria 13 December 2019. Collection method: clinical testing. Allele origin: germline.
Comment: This variant was observed in the ICSL laboratory as part of a predisposition screen in an ostensibly healthy population. It had not been previously curated by ICSL or reported in the Human Gene Mutation Database (HGMD: prior to June 1st, 2018), and was therefore a candidate for classification through an automated scoring system. Utilizing variant allele frequency, disease prevalence and penetrance estimates, and inheritance mode, an automated score was calculated to assess if this variant is too frequent to cause the disease. Based on the score and internal cut-off values, a variant classified as benign is not then subjected to further curation. The score for this variant resulted in a classification of benign for this disease.

Breakthrough Genomics
Classification: Benign. Review status: criteria provided, single submitter. Criteria: ACMG Guidelines, 2015. Collection method: not provided. Allele origin: germline. Inheritance: Autosomal recessive inheritance. Affected: yes.